The following is an entry in ClinVar:

ClinVar aggregate classification (germline): Uncertain significance (1 of 4 stars; one submission).

Conditions:
Cardiovascular phenotype. Identifiers: MedGen CN230736.

Submission:

Ambry Genetics
Classification: Uncertain significance for Cardiovascular phenotype. Last evaluated: 2021-07-27. Review status: criteria provided, single submitter. Criteria: Ambry Variant Classification Scheme 2023. Collection method: clinical testing. Allele origin: germline.
Comment: The p.G148R variant (also known as c.442G>A), located in coding exon 5 of the CACNB2 gene, results from a G to A substitution at nucleotide position 442. The glycine at codon 148 is replaced by arginine, an amino acid with dissimilar properties. This amino acid position is conserved. In addition, the in silico prediction for this alteration is inconclusive. Since supporting evidence is limited at this time, the clinical significance of this alteration remains unclear.

NM_201596.3(CACNB2):c.604G>A (p.Gly202Arg)

Gene: CACNB2 (calcium voltage-gated channel auxiliary subunit beta 2; plus strand). Cytogenetic location: 10p12.31.
Variant type: single nucleotide variant.
Coding change: c.604G>A on transcript NM_201596.3 (MANE Select); coding-DNA position 604, G replaced by A.
Protein change: p.Gly202Arg; replaces glycine 202 with arginine.
Molecular consequence: missense variant.
Genome position (GRCh38, 1-based): chr10:18,506,481, G>A. VCF-style: chr10-18506481-G-A. GRCh37 (hg19) VCF-style: chr10-18795410-G-A.
Other names: c.439G>A, p.Gly147Arg (NM_000724.4, NM_001330060.2); c.520G>A, p.Gly174Arg (NM_001167945.2, NM_201571.4, NM_201572.4); c.460G>A, p.Gly154Arg (NM_001410882.1, NM_201570.3); c.442G>A, p.Gly148Arg (NM_201590.3); c.604G>A, p.Gly202Arg (NM_201593.3, NM_201597.3); short protein forms G148R, G154R, G147R, G202R, G174R.
Identifiers: ClinVar variation 1740540 (VCV001740540.2), dbSNP rs2494422959, ClinGen allele CA376059200.